The following is an entry in ClinVar:

NM_007294.4(BRCA1):c.2299A>G (p.Ser767Gly)

Gene: BRCA1 (BRCA1 DNA repair associated; minus strand). Cytogenetic location: 17q21.31.
Variant type: single nucleotide variant.
Coding change: c.2299A>G on transcript NM_007294.4 (MANE Select); coding-DNA position 2299, A replaced by G.
Protein change: p.Ser767Gly; replaces serine 767 with glycine.
Molecular consequence: missense variant. On other transcripts: intron variant (137).
Genome position (GRCh38, 1-based): chr17:43,093,232, T>C on the plus strand (A>G on the coding strand, the complement: BRCA1 is on the minus strand). VCF-style: chr17-43093232-T-C. GRCh37 (hg19) VCF-style: chr17-41245249-T-C.
Other names: 2418A>G; c.2086A>G, p.Ser696Gly (NM_001407571.1, NM_001407853.1, NM_001407894.1 and 9 more transcripts); c.2299A>G, p.Ser767Gly (NM_001407581.1, NM_001407582.1, NM_001407583.1 and 30 more transcripts); c.2296A>G, p.Ser766Gly (NM_001407587.1, NM_001407590.1, NM_001407591.1 and 22 more transcripts); c.2290A>G, p.Ser764Gly (NM_001407646.1, NM_001407647.1); c.2176A>G, p.Ser726Gly (NM_001407648.1, NM_001407664.1, NM_001407665.1 and 19 more transcripts); c.2173A>G, p.Ser725Gly (NM_001407649.1, NM_001407670.1, NM_001407671.1 and 11 more transcripts); c.2221A>G, p.Ser741Gly (NM_001407653.1, NM_001407654.1, NM_001407655.1 and 4 more transcripts); and 42 more; short protein forms S767G, S720G, S678G, S696G, S700G, S719G, S766G, S599G.
Identifiers: ClinVar variation 37461 (VCV000037461.35), dbSNP rs80357194, ClinGen allele CA001531.

ClinVar aggregate classification (germline): Conflicting classifications of pathogenicity. Review status: criteria provided, conflicting classifications (1 of 4 stars). 12 submissions from 12 submitters: Uncertain significance (9); Likely benign (1). 2 of the submissions do not count toward it. Last evaluated 2025-12-30.

Conditions:
Hereditary cancer-predisposing syndrome. Also called: Tumor predisposition; Neoplastic Syndromes, Hereditary; Hereditary Cancer Syndrome; Hereditary neoplastic syndrome. Identifiers: Orphanet 140162, MedGen C0027672, MeSH D009386, MONDO:0015356.
Hereditary breast ovarian cancer syndrome. Also called: Hereditary breast and ovarian cancer syndrome (HBOC); Hereditary breast and ovarian cancer syndrome; Hereditary breast and ovarian cancer; Hereditary breast and/or ovarian cancer syndrome; Breast and ovarian cancer; BRCA1- and BRCA2-Associated Hereditary Breast and Ovarian Cancer. Identifiers: Orphanet 145, MedGen C0677776, MeSH D061325, MONDO:0003582. Disease mechanism: loss of function.
Breast-ovarian cancer, familial, susceptibility to, 1 (BROVCA1). Also called: OVARIAN CANCER, SUSCEPTIBILITY TO; BRCA1 Hereditary Breast and Ovarian Cancer. Identifiers: Orphanet 145, MedGen C2676676, MONDO:0011450, OMIM 604370. Disease mechanism: loss of function.

Allele frequency attached by ClinVar (database versions not stated): gnomAD 0.00002 and 0.00003; TOPMed 0.00004.
gnomAD v4.1: 6 of 1,613,978 alleles (0.00037%); highest among the groups gnomAD compares: African/African-American, 0.0027%; no homozygotes.

Submissions (12):

Labcorp Genetics (formerly Invitae), Labcorp
Classification: Uncertain significance for Hereditary breast ovarian cancer syndrome. Last evaluated: 2025-12-30. Review status: criteria provided, single submitter. Criteria: Invitae Variant Classification Sherloc (09022015). Collection method: clinical testing. Allele origin: germline.
Comment: This sequence change replaces serine, which is neutral and polar, with glycine, which is neutral and non-polar, at codon 767 of the BRCA1 protein (p.Ser767Gly). This variant is not present in population databases (gnomAD no frequency). This missense change has been observed in individual(s) with breast cancer (PMID: 20104584, 30702160). ClinVar contains an entry for this variant (Variation ID: 37461). Invitae Evidence Modeling of protein sequence and biophysical properties (such as structural, functional, and spatial information, amino acid conservation, physicochemical variation, residue mobility, and thermodynamic stability) indicates that this missense variant is not expected to disrupt BRCA1 protein function with a negative predictive value of 80%. In summary, the available evidence is currently insufficient to determine the role of this variant in disease. Therefore, it has been classified as a Variant of Uncertain Significance.

Ambry Genetics
Classification: Uncertain significance for Hereditary cancer-predisposing syndrome. Last evaluated: 2025-09-01. Review status: criteria provided, single submitter. Criteria: Ambry Variant Classification Scheme 2023. Collection method: clinical testing. Allele origin: germline.
Comment: The p.S767G variant (also known as c.2299A>G), located in coding exon 9 of the BRCA1 gene, results from an A to G substitution at nucleotide position 2299. The serine at codon 767 is replaced by glycine, an amino acid with similar properties. In one study, this alteration was detected in one patient with unilateral breast cancer and was predicted to be most likely neutral based on Align-GVGD in silico analyses (Borg A et al. Hum. Mutat. 2010; 31:E1200-40). This amino acid position is poorly conserved on species alignment. In addition, this alteration is predicted to be tolerated by in silico analysis. Since supporting evidence is limited at this time, the clinical significance of this alteration remains unclear.

GeneDx
Classification: Uncertain significance. Last evaluated: 2024-05-16. Review status: criteria provided, single submitter. Criteria: GeneDx Variant Classification Process June 2021. Collection method: clinical testing. Allele origin: germline. Affected: yes.
Comment: Not observed at significant frequency in large population cohorts (gnomAD); In silico analysis supports that this missense variant has a deleterious effect on protein structure/function; Also known as 2418A>G; This variant is associated with the following publications: (PMID: 20104584, 15343273, 35534704)

All of Us Research Program, National Institutes of Health
Classification: Uncertain significance for Breast-ovarian cancer, familial, susceptibility to, 1. Last evaluated: 2023-12-13. Review status: criteria provided, single submitter. Criteria: ACMG Guidelines, 2015. Collection method: clinical testing. Allele origin: germline. Inheritance: Autosomal dominant inheritance. Observed: 2 variant alleles, 2 heterozygotes.
Comment: This missense variant replaces serine with glycine at codon 767 of the BRCA1 protein. Computational prediction suggests that this variant may not impact protein structure and function (internally defined REVEL score threshold <= 0.5, PMID: 27666373). To our knowledge, functional studies have not been reported for this variant. This variant has been reported in an individual affected with breast cancer (PMID: 20104584). This variant has not been identified in the general population by the Genome Aggregation Database (gnomAD). The available evidence is insufficient to determine the role of this variant in disease conclusively. Therefore, this variant is classified as a Variant of Uncertain Significance.

This study involves interpretation of variants in research participants for the purpose of population health screening. Participant phenotype was not available at the time of variant classification. Additional details can be found in publication PMID: 35346344, PMCID: PMC8962531

Color Diagnostics, LLC DBA Color Health
Classification: Uncertain significance for Hereditary cancer-predisposing syndrome. Last evaluated: 2023-11-16. Review status: criteria provided, single submitter. Criteria: ACMG Guidelines, 2015. Collection method: clinical testing. Allele origin: germline.
Comment: This missense variant replaces serine with glycine at codon 767 of the BRCA1 protein. Computational prediction suggests that this variant may not impact protein structure and function. To our knowledge, functional studies have not been reported for this variant. This variant has been reported in two individuals affected with breast cancer (PMID: 20104584, 33606809). This variant has not been identified in the general population by the Genome Aggregation Database (gnomAD). The available evidence is insufficient to determine the role of this variant in disease conclusively. Therefore, this variant is classified as a Variant of Uncertain Significance.

Quest Diagnostics Nichols Institute San Juan Capistrano
Classification: Uncertain significance. Last evaluated: 2023-08-14. Review status: criteria provided, single submitter. Criteria: Quest Diagnostics criteria. Collection method: clinical testing. Allele origin: unknown.
Comment: In the published literature, this variant has been reported in individuals with breast cancer (PMIDs: 33606809 (2021), 20104584 (2010)), and described to be located in a region of the BRCA1 gene that is tolerant to missense sequence changes (PMID: 31911673 (2020)). The frequency of this variant in the general population, 0.000026 (4/152232 chromosomes), is uninformative in assessment of its pathogenicity. Analysis of this variant using bioinformatics tools for the prediction of the effect of amino acid changes on protein structure and function yielded predictions that this variant is benign. Based on the available information, we are unable to determine the clinical significance of this variant.

University of Washington Department of Laboratory Medicine, University of Washington
Classification: Likely benign for Hereditary cancer-predisposing syndrome. Last evaluated: 2023-03-23. Review status: criteria provided, single submitter. Criteria: Dines et al. (Genet Med. 2020). Collection method: curation. Allele origin: germline.
Comment: Missense variant in a coldspot region where missense variants are very unlikely to be pathogenic (PMID:31911673).

BRCA1 coldspot (exon 11 using historical exon numbering). Reclassification based on statistical prior probability

Women's Health and Genetics/Laboratory Corporation of America, LabCorp
Classification: Uncertain significance. Last evaluated: 2023-02-09. Review status: criteria provided, single submitter. Criteria: LabCorp Variant Classification Summary - May 2015. Collection method: clinical testing. Allele origin: germline.
Comment: Variant summary: BRCA1 c.2299A>G (p.Ser767Gly) results in a non-conservative amino acid change in the encoded protein sequence. Three of five in-silico tools predict a benign effect of the variant on protein function. The variant was absent in 251084 control chromosomes (gnomAD). The available data on variant occurrences in the general population are insufficient to allow any conclusion about variant significance. c.2299A>G has been reported in the literature in individuals affected with Breast Cancer (e.g. Borg_2010, Sandoval_2021). These reports do not provide unequivocal conclusions about association of the variant with Hereditary Breast And Ovarian Cancer Syndrome. To our knowledge, no experimental evidence demonstrating an impact on protein function has been reported. Seven ClinVar submitters have assessed the variant since 2014: all classified the variant as uncertain significance. Based on the evidence outlined above, the variant was classified as uncertain significance.

Laboratorio de Genetica e Diagnostico Molecular, Hospital Israelita Albert Einstein
Classification: Uncertain significance for Breast-ovarian cancer, familial, susceptibility to, 1. Last evaluated: 2021-10-21. Review status: criteria provided, single submitter. Criteria: ACMG Guidelines, 2015. Collection method: clinical testing. Allele origin: germline. Affected: yes.
Comment: ACMG classification criteria: BP4 supporting

Mendelics
Classification: Uncertain significance for Breast-ovarian cancer, familial, susceptibility to, 1. Last evaluated: 2019-05-28. Review status: criteria provided, single submitter. Criteria: Mendelics Assertion Criteria 2017. Collection method: clinical testing. Allele origin: unknown.

Sharing Clinical Reports Project (SCRP)
Classification: Uncertain significance for Breast-ovarian cancer, familial 1. Last evaluated: 2008-03-18. Review status: no assertion criteria provided. Collection method: clinical testing. Allele origin: germline. Not counted in ClinVar's aggregate classification.

Breast Cancer Information Core (BIC) (BRCA1)
Classification: Uncertain significance for Breast-ovarian cancer, familial 1. Last evaluated: 2004-11-25. Review status: no assertion criteria provided. Collection method: clinical testing. Allele origin: germline. Affected: yes. Observed: 1 variant allele. Not counted in ClinVar's aggregate classification.

Literature cited by the submitters: PubMed 20104584 (cited by 6 submitters); PubMed 30702160 (cited by Labcorp Genetics (formerly Invitae), Labcorp); PubMed 33606809 (cited by 3 submitters); PubMed 31911673 (cited by Quest Diagnostics Nichols Institute San Juan Capistrano); PubMed 16267036 (cited by Quest Diagnostics Nichols Institute San Juan Capistrano and Women's Health and Genetics/Laboratory Corporation of America, LabCorp).